The following continues an entry in ClinVar:

NC_000011.10:g.47339379del

Gene: MYBPC3. ClinVar aggregate classification (germline): Pathogenic. Pathogenic (15).

Submissions 11 to 15 of 15:

GeneDx
Classification: Pathogenic. Last evaluated: 2021-11-01. Review status: criteria provided, single submitter. Criteria: GeneDx Variant Classification Process June 2021. Collection method: clinical testing. Allele origin: germline. Affected: yes.
Comment: Not observed at significant frequency in large population cohorts (Lek et al., 2016); Frameshift variant predicted to result in protein truncation or nonsense mediated decay in a gene for which loss-of-function is a known mechanism of disease; Reported as pathogenic by other clinical laboratories in ClinVar (ClinVar Variant ID# 42596; Landrum et al., 2016); This variant is associated with the following publications: (PMID: 15114369, 25351510, 9562578, 24793961, 15519027, 22122802, 26743238, 26914223, 27532257, 28615295, 31006259, 23549607, 33087929)

CHEO Genetics Diagnostic Laboratory, Children's Hospital of Eastern Ontario
Classification: Pathogenic for Cardiomyopathy. Last evaluated: 2021-06-28. Review status: criteria provided, single submitter. Criteria: ACMG Guidelines, 2015. Collection method: clinical testing. Allele origin: germline.

Genetics and Molecular Pathology, SA Pathology
Classification: Pathogenic for Hypertrophic cardiomyopathy 4. Last evaluated: 2021-03-15. Review status: criteria provided, single submitter. Criteria: ACMG Guidelines, 2015. Collection method: clinical testing. Allele origin: germline. Affected: yes.

Laboratory for Molecular Medicine, Mass General Brigham Personalized Medicine
Classification: Pathogenic for Hypertrophic cardiomyopathy. Last evaluated: 2017-11-28. Review status: criteria provided, single submitter. Criteria: LMM Criteria. Collection method: clinical testing. Allele origin: germline. Inheritance: Autosomal dominant inheritance. Observed: 15 variant alleles.
Comment: The p.Pro699fs variant (also referred to as Ala698fs and A698fs54) in MYBPC3 has been reported in 8 individuals with HCM and segregated with disease in 5 affect ed family members (Nimura 1998, Van Driest 2004, Wilson 2011, Bos 2014, LMM data ). It has not been identified in large population studies. This variant is predi cted to cause a frameshift, which alters the protein?s amino acid sequence begin ning at position 699 and leads to a premature termination codon 55 amino acids d ownstream. This alteration is then predicted to lead to a truncated or absent pr otein. Heterozygous loss of MYBPC3 function is an established disease mechanism in HCM. In summary, this variant meets criteria to be classified as pathogenic b ased upon segregation studies, absence from controls, and the predicted impact t o the protein. ACMG/AMP criteria applied: PVS1, PS4, PP1_Moderate.

Agnes Ginges Centre for Molecular Cardiology, Centenary Institute
Classification: Pathogenic for hypertrophic cardiomyopathy; dilated cardiomyopathy. Last evaluated: 2017-08-01. Review status: criteria provided, single submitter. Criteria: ACMG Guidelines, 2015. Collection method: research. Allele origin: germline. Affected: yes.
Comment: This variant has been identified as part of our research program. Refer to the 'condition' field for the phenotype of the proband(s) identified with this variant. For further information please feel free to contact us.

Literature cited by the submitters: PubMed 9562578 (cited by 8 submitters); PubMed 15519027 (cited by 8 submitters); PubMed 24793961 (cited by 8 submitters); PubMed 26914223 (cited by 6 submitters); PubMed 22122802 (cited by 8 submitters); PubMed 19574547 (cited by Labcorp Genetics (formerly Invitae), Labcorp); PubMed 20031618 (cited by 3 submitters); PubMed 27532257 (cited by 4 submitters); PubMed 28408708 (cited by 3 submitters); PubMed 31006259 (cited by Mayo Clinic Laboratories, Mayo Clinic); PubMed 33087929 (cited by Mayo Clinic Laboratories, Mayo Clinic); PubMed 34400558 (cited by Mayo Clinic Laboratories, Mayo Clinic); PubMed 34503678 (cited by Mayo Clinic Laboratories, Mayo Clinic); PubMed 34542152 (cited by Mayo Clinic Laboratories, Mayo Clinic); PubMed 36252119 (cited by Mayo Clinic Laboratories, Mayo Clinic and Color Diagnostics, LLC DBA Color Health); PubMed 37652022 (cited by Mayo Clinic Laboratories, Mayo Clinic); PubMed 23549607 (cited by 3 submitters); PubMed 25351510 (cited by 3 submitters); PubMed 32731933 (cited by Color Diagnostics, LLC DBA Color Health and All of Us Research Program, National Institutes of Health); PubMed 32841044 (cited by 3 submitters); PubMed 33495597 (cited by Color Diagnostics, LLC DBA Color Health and All of Us Research Program, National Institutes of Health); PubMed 34310159 (cited by Color Diagnostics, LLC DBA Color Health and All of Us Research Program, National Institutes of Health); PubMed 26743238 (cited by Victorian Clinical Genetics Services, Murdoch Childrens Research Institute); PubMed 15114369 (cited by Laboratory for Molecular Medicine, Mass General Brigham Personalized Medicine).